The following is an entry in ClinVar:

ClinVar aggregate classification (germline): Uncertain significance (1 of 4 stars; one submission).

Conditions:
Intellectual developmental disorder, X-linked, syndromic, Hedera type. Also called: Syndromic X-linked intellectual disability Hedera type. Identifiers: Orphanet 93952, MedGen C1845543, MONDO:0010319, OMIM 300423.

Submission:

Labcorp Genetics (formerly Invitae), Labcorp
Classification: Uncertain significance for Intellectual developmental disorder, X-linked, syndromic, Hedera type. Last evaluated: 2023-08-31. Review status: criteria provided, single submitter. Criteria: Invitae Variant Classification Sherloc (09022015). Collection method: clinical testing. Allele origin: germline.
Comment: In summary, the available evidence is currently insufficient to determine the role of this variant in disease. Therefore, it has been classified as a Variant of Uncertain Significance. Variants that disrupt the consensus splice site are a relatively common cause of aberrant splicing (PMID: 17576681, 9536098). Algorithms developed to predict the effect of sequence changes on RNA splicing suggest that this variant may disrupt the consensus splice site. This variant has not been reported in the literature in individuals affected with ATP6AP2-related conditions. This variant is not present in population databases (gnomAD no frequency). This sequence change falls in intron 1 of the ATP6AP2 gene. It does not directly change the encoded amino acid sequence of the ATP6AP2 protein. It affects a nucleotide within the consensus splice site.

Literature cited by the submitters: PubMed 17576681; PubMed 9536098.

NM_005765.3(ATP6AP2):c.37+5G>A

Genes: ATP6AP2 (ATPase H+ transporting accessory protein 2; plus strand), LOC130068149 (ATAC-STARR-seq lymphoblastoid silent region 20763; plus strand). Cytogenetic location: Xp11.4.
Variant type: single nucleotide variant.
Coding change: c.37+5G>A on transcript NM_005765.3 (MANE Select); 5 bases into the intron after coding-DNA position 37, G replaced by A.
Molecular consequence: intron variant.
Genome position (GRCh38, 1-based): chrX:40,581,107, G>A. VCF-style: chrX-40581107-G-A. GRCh37 (hg19) VCF-style: chrX-40440359-G-A.
Identifiers: ClinVar variation 2756836 (VCV002756836.3), dbSNP rs2518956238, ClinGen allele CA2693462365.